The following is an entry in ClinVar:

NM_000179.3(MSH6):c.3148G>T (p.Ala1050Ser)

Gene: MSH6 (mutS homolog 6; plus strand). Cytogenetic location: 2p16.3.
Variant type: single nucleotide variant.
Coding change: c.3148G>T on transcript NM_000179.3 (MANE Select); coding-DNA position 3148, G replaced by T.
Protein change: p.Ala1050Ser; replaces alanine 1050 with serine.
Molecular consequence: missense variant.
Genome position (GRCh38, 1-based): chr2:47,801,131, G>T. VCF-style: chr2-47801131-G-T. GRCh37 (hg19) VCF-style: chr2-48028270-G-T.
Other names: c.2758G>T, p.Ala920Ser (NM_001281492.2); c.2242G>T, p.Ala748Ser (NM_001281493.2, NM_001281494.2); short protein forms A1050S, A748S, A920S.
Identifiers: ClinVar variation 946310 (VCV000946310.10), dbSNP rs1572730375, ClinGen allele CA346756705.

ClinVar aggregate classification (germline): Uncertain significance (1 of 4 stars; one submission).

Conditions:
Hereditary nonpolyposis colorectal neoplasms. Identifiers: MedGen C0009405, MeSH D003123.

Submission:

Labcorp Genetics (formerly Invitae), Labcorp
Classification: Uncertain significance for Hereditary nonpolyposis colorectal neoplasms. Last evaluated: 2019-10-29. Review status: criteria provided, single submitter. Criteria: Invitae Variant Classification Sherloc (09022015). Collection method: clinical testing. Allele origin: germline.
Comment: This variant is not present in population databases (ExAC no frequency). Algorithms developed to predict the effect of missense changes on protein structure and function (SIFT, PolyPhen-2, Align-GVGD) all suggest that this variant is likely to be disruptive, but these predictions have not been confirmed by published functional studies and their clinical significance is uncertain. In summary, the available evidence is currently insufficient to determine the role of this variant in disease. Therefore, it has been classified as a Variant of Uncertain Significance. This variant has not been reported in the literature in individuals with MSH6-related conditions. This sequence change replaces alanine with serine at codon 1050 of the MSH6 protein (p.Ala1050Ser). The alanine residue is highly conserved and there is a moderate physicochemical difference between alanine and serine.